The following is an entry in ClinVar:

NM_001079673.2(FNDC3A):c.2589C>T (p.Ser863=)

Gene: FNDC3A (fibronectin type III domain containing 3A; plus strand). Cytogenetic location: 13q14.2.
Variant type: single nucleotide variant.
Coding change: c.2589C>T on transcript NM_001079673.2 (MANE Select); coding-DNA position 2589, C replaced by T.
Protein change: p.Ser863=; no amino-acid change (serine 863 retained).
Molecular consequence: synonymous variant. On other transcripts: non-coding transcript variant (1).
Genome position (GRCh38, 1-based): chr13:49,198,080, C>T. VCF-style: chr13-49198080-C-T. GRCh37 (hg19) VCF-style: chr13-49772216-C-T.
Other names: NC_000013.10:g.49772216C>T; c.2589C>T, p.Ser863= (NM_001278438.2); c.2421C>T, p.Ser807= (NM_014923.5).
Identifiers: ClinVar variation 3058642 (VCV003058642.3), dbSNP rs376708332, ClinGen allele CA6980381.

ClinVar aggregate classification (germline): Likely benign (0 of 4 stars; one submission).

Conditions:
FNDC3A-related disorder. Also called: FNDC3A-related condition.

Allele frequency attached by ClinVar (database versions not stated): TOPMed 0.00002; gnomAD 0.00003; ESP Exome Variant Server 0.00008.
gnomAD v4.1: 108 of 1,613,906 alleles (0.0067%); highest among the groups gnomAD compares: South Asian, 0.075%; 1 homozygote.

Submissions (3):

PreventionGenetics, part of Exact Sciences
Classification: Likely benign for FNDC3A-related condition. Last evaluated: 2019-04-25. Review status: no assertion criteria provided. Collection method: clinical testing. Allele origin: germline.
Comment: This variant is classified as likely benign based on ACMG/AMP sequence variant interpretation guidelines (Richards et al. 2015 PMID: 25741868, with internal and published modifications).

Dr. Peter K. Rogan Lab, Western University
No classification provided (evidence only). Condition: Pancreatic adenocarcinoma. Review status: no classification provided. Collection method: in vitro. Allele origin: not applicable. Functional consequence: retained intron. Not counted in ClinVar's aggregate classification.

Dr. Peter K. Rogan Lab, Western University
No classification provided (evidence only). Condition: Ovarian serous cystadenocarcinoma. Review status: no classification provided. Collection method: in vitro. Allele origin: not applicable. Functional consequence: retained intron. Not counted in ClinVar's aggregate classification.